The following is an entry in ClinVar:

ClinVar aggregate classification (germline): Uncertain significance (1 of 4 stars; one submission).

Conditions:
Birt-Hogg-Dube syndrome. Also called: Birt Hogg Dubé syndrome. Identifiers: Orphanet 122, MedGen C0346010, MONDO:0800444.

Submission:

Labcorp Genetics (formerly Invitae), Labcorp
Classification: Uncertain significance for Birt-Hogg-Dube syndrome. Last evaluated: 2021-02-14. Review status: criteria provided, single submitter. Criteria: Invitae Variant Classification Sherloc (09022015). Collection method: clinical testing. Allele origin: germline.
Comment: This sequence change replaces proline with alanine at codon 30 of the FLCN protein (p.Pro30Ala). The proline residue is moderately conserved and there is a small physicochemical difference between proline and alanine. This variant is not present in population databases (ExAC no frequency). This variant has not been reported in the literature in individuals with FLCN-related conditions. Algorithms developed to predict the effect of missense changes on protein structure and function (SIFT, PolyPhen-2, Align-GVGD) all suggest that this variant is likely to be tolerated, but these predictions have not been confirmed by published functional studies and their clinical significance is uncertain. In summary, the available evidence is currently insufficient to determine the role of this variant in disease. Therefore, it has been classified as a Variant of Uncertain Significance.

NM_144997.7(FLCN):c.88C>G (p.Pro30Ala)

Gene: FLCN (folliculin; minus strand). Cytogenetic location: 17p11.2.
Variant type: single nucleotide variant.
Coding change: c.88C>G on transcript NM_144997.7 (MANE Select); coding-DNA position 88, C replaced by G.
Protein change: p.Pro30Ala; replaces proline 30 with alanine.
Molecular consequence: missense variant.
Genome position (GRCh38, 1-based): chr17:17,228,050, G>C on the plus strand (C>G on the coding strand, the complement: FLCN is on the minus strand). VCF-style: chr17-17228050-G-C. GRCh37 (hg19) VCF-style: chr17-17131364-G-C.
Other names: c.88C>G, p.Pro30Ala (NM_001353229.2, NM_001353230.2, NM_001353231.2 and 1 more transcripts); short protein forms P30A.
Identifiers: ClinVar variation 1465178 (VCV001465178.8), dbSNP rs2047311657, ClinGen allele CA398535359.